The following is an entry in ClinVar:

NM_024577.4(SH3TC2):c.*6682G>C

Gene: SH3TC2 (SH3 domain and tetratricopeptide repeats 2; minus strand). Cytogenetic location: 5q32.
Variant type: single nucleotide variant.
Coding change: c.*6682G>C on transcript NM_024577.4 (MANE Select); 6682 bases downstream of the stop codon, G replaced by C.
Molecular consequence: 3 prime UTR variant.
Genome position (GRCh38, 1-based): chr5:148,998,029, C>G on the plus strand (G>C on the coding strand, the complement: SH3TC2 is on the minus strand). VCF-style: chr5-148998029-C-G. GRCh37 (hg19) VCF-style: chr5-148377592-C-G.
Identifiers: ClinVar variation 351783 (VCV000351783.5), dbSNP rs557452648, ClinGen allele CA10623437.
Genomic context (GRCh38, chr5:148,998,029, plus strand): 5'-TCAAATAATACATAGAAAAGAACAAAGGCTGGAGCCCTCCTGCACTTTTTTAGAGACCAC[C>G]CTCCAGGTCAGCACTTTTCAAACTACAGGTTAATGAGTGAGAAATTCATTTGGTGAGTCA-3'

ClinVar aggregate classification (germline): Conflicting classifications of pathogenicity. Review status: criteria provided, conflicting classifications (1 of 4 stars). 2 submissions from 1 submitter: Uncertain significance (1); Likely benign (1). Last evaluated 2018-01-13.

Conditions:
Susceptibility to mononeuropathy of the median nerve, mild. Also called: CARPAL TUNNEL SYNDROME, SUSCEPTIBILITY TO. Identifiers: MedGen C3150596, MONDO:0013237, OMIM 613353.
Charcot-Marie-Tooth disease type 4C (CMT4C). Also called: CHARCOT-MARIE-TOOTH DISEASE, DEMYELINATING, AUTOSOMAL RECESSIVE, TYPE 4C; CMT 4C; Charcot-Marie-Tooth Neuropathy Type 4C (CMT4C); CHARCOT-MARIE-TOOTH DISEASE, DEMYELINATING, TYPE 4C; SH3TC2-Related Hereditary Motor and Sensory Neuropathy. Identifiers: Orphanet 99949, MedGen C1866636, MONDO:0011113, OMIM 601596.

Allele frequency attached by ClinVar (database versions not stated): gnomAD 0.00002 and 0.00019; TOPMed 0.00004; 1000 Genomes Project 0.00120; 1000 Genomes Project 30x 0.00125.

Submissions (2):

Illumina Laboratory Services, Illumina
Classification: Uncertain significance for Charcot-Marie-Tooth disease type 4C. Last evaluated: 2018-01-13. Review status: criteria provided, single submitter. Criteria: ICSL Variant Classification Criteria 13 December 2019. Collection method: clinical testing. Allele origin: germline.

Illumina Laboratory Services, Illumina
Classification: Likely benign for Susceptibility to mononeuropathy of the median nerve, mild. Last evaluated: 2018-01-13. Review status: criteria provided, single submitter. Criteria: ICSL Variant Classification Criteria 13 December 2019. Collection method: clinical testing. Allele origin: germline.
Comment: This variant was observed in the ICSL laboratory as part of a predisposition screen in an ostensibly healthy population. It had not been previously curated by ICSL or reported in the Human Gene Mutation Database (HGMD: prior to June 1st, 2018), and was therefore a candidate for classification through an automated scoring system. Utilizing variant allele frequency, disease prevalence and penetrance estimates, and inheritance mode, an automated score was calculated to assess if this variant is too frequent to cause the disease. Based on the score and internal cut-off values, a variant classified as likely benign is not then subjected to further curation. The score for this variant resulted in a classification of likely benign for this disease.